The following is an entry in ClinVar:

ClinVar aggregate classification (germline): Pathogenic/Likely pathogenic. Review status: criteria provided, multiple submitters, no conflicts (2 of 4 stars). 2 submissions from 2 submitters: Pathogenic (1); Likely pathogenic (1). Last evaluated 2024-07-30.

Conditions:
C6-related disorders.

Submissions (2):

Labcorp Genetics (formerly Invitae), Labcorp
Classification: Pathogenic. Last evaluated: 2024-07-30. Review status: criteria provided, single submitter. Criteria: Invitae Variant Classification Sherloc (09022015). Collection method: clinical testing. Allele origin: germline.
Comment: This sequence change creates a premature translational stop signal (p.Ser813Argfs*3) in the C6 gene. It is expected to result in an absent or disrupted protein product. Loss-of-function variants in C6 are known to be pathogenic (PMID: 17257682). This variant is not present in population databases (gnomAD no frequency). This variant has not been reported in the literature in individuals affected with C6-related conditions. For these reasons, this variant has been classified as Pathogenic.

Blueprint Genetics
Classification: Likely pathogenic for C6-related disorders. Last evaluated: 2024-07-24. Review status: criteria provided, single submitter. Criteria: ACMG Guidelines, 2015. Collection method: clinical testing. Allele origin: germline. Affected: yes. Observed: 2 variant alleles.

Literature cited by the submitters: PubMed 17257682 (cited by Labcorp Genetics (formerly Invitae), Labcorp).

NM_000065.5(C6):c.2436_2440del (p.Ser813fs)

Gene: C6 (complement C6; minus strand). Cytogenetic location: 5p13.1.
Variant type: Deletion.
Coding change: c.2436_2440del on transcript NM_000065.5 (MANE Select); coding-DNA positions 2436 to 2440, 5 bases deleted (TTCAC; older notation c.2436_2440delTTCAC).
Protein change: p.Ser813fs; shifts the reading frame from serine 813.
Molecular consequence: frameshift variant.
Genome position (GRCh38, 1-based): chr5:41,149,424-41,149,428, GTGAA deleted on the plus strand (TTCAC on the coding strand, the reverse complement: C6 is on the minus strand); deleting any 5 consecutive bases within chr5:41,149,424-41,149,430 gives the same sequence; the c. name uses the placement nearest the transcript's 3' end. VCF-style (leftmost placement, unchanged base first): chr5-41149423-GGTGAA-G. GRCh37 (hg19) VCF-style: chr5-41149525-GGTGAA-G.
Other names: c.2436_2440del, p.Ser813fs (NM_001115131.4); short protein forms S813fs.
Identifiers: ClinVar variation 2975647 (VCV002975647.4), dbSNP rs777936780, ClinGen allele CA3252113.